The following is an entry in ClinVar:

ClinVar aggregate classification (germline): Likely benign. Review status: criteria provided, multiple submitters, no conflicts (2 of 4 stars). 2 submissions from 2 submitters: Likely benign (2). Last evaluated 2026-06-01.

Conditions:
Fanconi anemia complementation group E (FANCE). Also called: FANCE-Related Fanconi Anemia. Identifiers: Orphanet 84, MedGen C3160739, MONDO:0010953, OMIM 600901.

Allele frequency attached by ClinVar (database versions not stated): gnomAD exomes below 0.00001; TOPMed below 0.00001; gnomAD 0.00001.
gnomAD v4.1: 2 of 1,239,710 alleles (0.00016%); highest among the groups gnomAD compares: Admixed American, 0.0042%; no homozygotes.

Submissions (2):

CeGaT Center for Human Genetics Tuebingen
Classification: Likely benign. Last evaluated: 2026-06-01. Review status: criteria provided, single submitter. Criteria: CeGaT Center For Human Genetics Tuebingen Variant Classification Criteria Version 2. Collection method: clinical testing. Allele origin: germline. Affected: yes. Observed: 1 variant allele.
Comment: FANCE: BP4, BP7

Labcorp Genetics (formerly Invitae), Labcorp
Classification: Likely benign for Fanconi anemia complementation group E. Last evaluated: 2025-04-30. Review status: criteria provided, single submitter. Criteria: Invitae Variant Classification Sherloc (09022015). Collection method: clinical testing. Allele origin: germline.

NM_021922.3(FANCE):c.141C>T (p.Leu47=)

Genes: FANCE (FA complementation group E; plus strand), LOC129996245 (ATAC-STARR-seq lymphoblastoid silent region 17092; plus strand). Cytogenetic location: 6p21.31.
Variant type: single nucleotide variant.
Coding change: c.141C>T on transcript NM_021922.3 (MANE Select); coding-DNA position 141, C replaced by T.
Protein change: p.Leu47=; no amino-acid change (leucine 47 retained).
Molecular consequence: synonymous variant.
Genome position (GRCh38, 1-based): chr6:35,452,686, C>T. VCF-style: chr6-35452686-C-T. GRCh37 (hg19) VCF-style: chr6-35420463-C-T.
Other names: c.141C>T, p.Leu47= (NM_001410876.1).
Identifiers: ClinVar variation 2726855 (VCV002726855.5), dbSNP rs1221462004, ClinGen allele CA449942032.